The following is an entry in ClinVar:

NM_001792.5(CDH2):c.1903G>T (p.Gly635Ter)

Gene: CDH2 (cadherin 2; minus strand). Cytogenetic location: 18q12.1.
Variant type: single nucleotide variant.
Coding change: c.1903G>T on transcript NM_001792.5 (MANE Select); coding-DNA position 1903, G replaced by T.
Protein change: p.Gly635Ter; replaces glycine 635 with a stop codon.
Molecular consequence: nonsense.
Genome position (GRCh38, 1-based): chr18:27,985,600, C>A on the plus strand (G>T on the coding strand, the complement: CDH2 is on the minus strand). VCF-style: chr18-27985600-C-A. GRCh37 (hg19) VCF-style: chr18-25565564-C-A.
Other names: c.1810G>T, p.Gly604Ter (NM_001308176.2); short protein forms G604*, G635*.
Identifiers: ClinVar variation 4716773 (VCV004716773.1).

ClinVar aggregate classification (germline): Uncertain significance (1 of 4 stars; one submission).

Submission:

Labcorp Genetics (formerly Invitae), Labcorp
Classification: Uncertain significance. Last evaluated: 2025-04-11. Review status: criteria provided, single submitter. Criteria: Invitae Variant Classification Sherloc (09022015). Collection method: clinical testing. Allele origin: germline.
Comment: This sequence change creates a premature translational stop signal (p.Gly635*) in the CDH2 gene. It is expected to result in an absent or disrupted protein product. However, the current clinical and genetic evidence is not sufficient to establish whether loss-of-function variants in CDH2 cause disease. This variant is not present in population databases (gnomAD no frequency). This variant has not been reported in the literature in individuals affected with CDH2-related conditions. In summary, the available evidence is currently insufficient to determine the role of this variant in disease. Therefore, it has been classified as a Variant of Uncertain Significance.